The following is an entry in ClinVar:

NM_001211.6(BUB1B):c.2138C>A (p.Thr713Asn)

Gene: BUB1B (BUB1 mitotic checkpoint serine/threonine kinase B; plus strand). Cytogenetic location: 15q15.1.
Variant type: single nucleotide variant.
Coding change: c.2138C>A on transcript NM_001211.6 (MANE Select); coding-DNA position 2138, C replaced by A.
Protein change: p.Thr713Asn; replaces threonine 713 with asparagine.
Molecular consequence: missense variant.
Genome position (GRCh38, 1-based): chr15:40,208,765, C>A. VCF-style: chr15-40208765-C-A. GRCh37 (hg19) VCF-style: chr15-40500966-C-A.
Other names: short protein forms T713N.
Identifiers: ClinVar variation 4216931 (VCV004216931.1).

ClinVar aggregate classification (germline): Uncertain significance (1 of 4 stars; one submission).

Conditions:
Inborn genetic diseases. Identifiers: MedGen C0950123, MeSH D030342.

Submission:

Ambry Genetics
Classification: Uncertain significance for Inborn genetic diseases. Last evaluated: 2025-06-18. Review status: criteria provided, single submitter. Criteria: Ambry Variant Classification Scheme 2023. Collection method: clinical testing. Allele origin: germline.
Comment: The p.T713N variant (also known as c.2138C>A), located in coding exon 16 of the BUB1B gene, results from a C to A substitution at nucleotide position 2138. The threonine at codon 713 is replaced by asparagine, an amino acid with similar properties. This amino acid position is conserved. In addition, this alteration is predicted to be tolerated by in silico analysis. Based on the available evidence, the clinical significance of this variant remains unclear.